The following is an entry in ClinVar:

NM_006914.4(RORB):c.1093G>A (p.Ala365Thr)

Gene: RORB (RAR related orphan receptor B; plus strand). Cytogenetic location: 9q21.13.
Variant type: single nucleotide variant.
Coding change: c.1093G>A on transcript NM_006914.4 (MANE Select); coding-DNA position 1093, G replaced by A.
Protein change: p.Ala365Thr; replaces alanine 365 with threonine.
Molecular consequence: missense variant.
Genome position (GRCh38, 1-based): chr9:74,667,883, G>A. VCF-style: chr9-74667883-G-A. GRCh37 (hg19) VCF-style: chr9-77282799-G-A.
Other names: c.1126G>A, p.Ala376Thr (NM_001365023.1); short protein forms A376T, A365T.
Identifiers: ClinVar variation 2750144 (VCV002750144.3), dbSNP rs2489639681, ClinGen allele CA373771539.
Genomic context (GRCh38, chr9:74,667,883, plus strand): 5'-TTTGCAAAGAATTTGTGTTCCTTGCAGCTGACCGAGGAGGAGATCGCTTTGTTCTCATCT[G>A]CTGTTCTGATATCTCCAGGTAGGGCAGTCTCAGTTCTCTTACCTTTTTAAAAAACTTGTT-3'
Protein context (NP_008845.2, residues 355-375): TEEEIALFSS[Ala365Thr]VLISPDRAWL

ClinVar aggregate classification (germline): Uncertain significance (1 of 4 stars; one submission).

Allele frequency attached by ClinVar (database versions not stated): gnomAD exomes below 0.00001.
gnomAD v4.1: 2 of 1,609,174 alleles (0.00012%); highest among the groups gnomAD compares: Non-Finnish European, 0.00017%; no homozygotes.

Submission:

Labcorp Genetics (formerly Invitae), Labcorp
Classification: Uncertain significance. Last evaluated: 2023-09-19. Review status: criteria provided, single submitter. Criteria: Invitae Variant Classification Sherloc (09022015). Collection method: clinical testing. Allele origin: germline.
Comment: In summary, the available evidence is currently insufficient to determine the role of this variant in disease. Therefore, it has been classified as a Variant of Uncertain Significance. An algorithm developed to predict the effect of missense changes on protein structure and function (PolyPhen-2) suggests that this variant is likely to be tolerated. This variant has not been reported in the literature in individuals affected with RORB-related conditions. This variant is not present in population databases (gnomAD no frequency). This sequence change replaces alanine, which is neutral and non-polar, with threonine, which is neutral and polar, at codon 365 of the RORB protein (p.Ala365Thr).